The following is an entry in ClinVar:

NM_003128.3(SPTBN1):c.3716G>A (p.Gly1239Glu)

Gene: SPTBN1 (spectrin beta, non-erythrocytic 1; plus strand). Cytogenetic location: 2p16.2.
Variant type: single nucleotide variant.
Coding change: c.3716G>A on transcript NM_003128.3 (MANE Select); coding-DNA position 3716, G replaced by A.
Protein change: p.Gly1239Glu; replaces glycine 1239 with glutamic acid.
Molecular consequence: missense variant.
Genome position (GRCh38, 1-based): chr2:54,632,717, G>A. VCF-style: chr2-54632717-G-A. GRCh37 (hg19) VCF-style: chr2-54859854-G-A.
Other names: c.3677G>A, p.Gly1226Glu (NM_178313.3); short protein forms G1226E, G1239E.
Identifiers: ClinVar variation 3029774 (VCV003029774.2), dbSNP rs1012166130, ClinGen allele CA47503729.

ClinVar aggregate classification (germline): Uncertain significance (0 of 4 stars; one submission).

Conditions:
SPTBN1-related disorder. Also called: SPTBN1-related condition.

Submission:

PreventionGenetics, part of Exact Sciences
Classification: Uncertain significance for SPTBN1-related condition. Last evaluated: 2024-02-19. Review status: no assertion criteria provided. Collection method: clinical testing. Allele origin: germline.
Comment: The SPTBN1 c.3716G>A variant is predicted to result in the amino acid substitution p.Gly1239Glu. This variant was reported in an individual with autism spectrum disorder (Supp. Data 1 Zhou et al 2022. PubMed ID: 35982159). This variant has not been reported in a large population database, indicating this variant is rare. At this time, the clinical significance of this variant is uncertain due to the absence of conclusive functional and genetic evidence.